The following is an entry in ClinVar:

NC_000015.10:g.(?_48134288)_(48644779_?)del

Genes: CTXN2 (cortexin 2; plus strand), DUT (deoxyuridine triphosphatase; plus strand), FBN1 (fibrillin 1; minus strand), MYEF2 (myelin expression factor 2; minus strand), SLC12A1 (solute carrier family 12 member 1; plus strand) and 1 more. Cytogenetic location: 15q21.1.
Variant type: Deletion.
Identifiers: ClinVar variation 832299 (VCV000832299.1).

ClinVar aggregate classification (germline): Pathogenic (1 of 4 stars; one submission).

Conditions:
Familial thoracic aortic aneurysm and aortic dissection (TAAD). Also called: Thoracic aortic aneurysms and dissections. Identifiers: Orphanet 91387, MedGen C4707243, MONDO:0019625.
Marfan syndrome (MFS). Also called: FBN1-Related Marfan Syndrome; Marfan's syndrome; MARFAN SYNDROME, TYPE I; Marfan syndrome type 1; Marfan syndrome, classic. Identifiers: Orphanet 284963, Orphanet 558, MedGen C0024796, MONDO:0007947, OMIM 154700.

Submission:

Labcorp Genetics (formerly Invitae), Labcorp
Classification: Pathogenic for Marfan syndrome; Familial thoracic aortic aneurysm and aortic dissection. Last evaluated: 2019-11-04. Review status: criteria provided, single submitter. Criteria: Invitae Variant Classification Sherloc (09022015). Collection method: clinical testing. Allele origin: germline.
Comment: A gross deletion of the genomic region encompassing the full coding sequence of the FBN1 gene has been identified. The boundaries of this event are unknown as the deletion extends beyond the assayed region for this gene and therefore may encompass additional genes. Gross deletions of the FBN1 gene have been reported been reported to segregate with Marfan syndrome in a single family (PMID: 21063442) and have also been reported in individuals affected with Marfan syndrome (PMID: 26787436). Loss-of-function variants in FBN1 are known to be pathogenic (PMID: 17657824, 19293843). For these reasons, this variant has been classified as Pathogenic.

Literature cited by the submitters: PubMed 21063442; PubMed 26787436.